The following is an entry in ClinVar:

ClinVar aggregate classification (germline): Pathogenic (1 of 4 stars; one submission).

Submission:

GeneDx
Classification: Pathogenic. Last evaluated: 2021-04-27. Review status: criteria provided, single submitter. Criteria: GeneDx Variant Classification Process June 2021. Collection method: clinical testing. Allele origin: germline. Affected: yes.
Comment: Canonical splice site variant in a gene for which loss-of-function is a known mechanism of disease; Not observed in large population cohorts (Lek et al., 2016); Has not been previously published as pathogenic or benign to our knowledge

NM_000548.5(TSC2):c.4966_4989+14delinsTGA

Gene: TSC2 (TSC complex subunit 2; plus strand). Cytogenetic location: 16p13.3.
Variant type: Indel.
Coding change: c.4966_4989+14delinsTGA on transcript NM_000548.5 (MANE Select); coding-DNA position 4966 through 14 bases into the intron after coding-DNA position 4989, the reference bases replaced by TGA.
Molecular consequence: splice donor variant.
Genome position (GRCh38, 1-based): chr16:2,086,848-2,086,885, 38 bases replaced. GRCh37 (hg19): chr16:2,136,849-2,136,886.
Other names: c.4897_4920+14delinsTGA (NM_001114382.3); c.4837_4860+14delinsTGA (NM_021055.3, NM_001370405.1); c.4768_4791+14delinsTGA (NM_001363528.2); c.4834_4857+14delinsTGA (NM_001370404.1); c.4765_4788+14delinsTGA (NM_001077183.3); c.4657_4680+14delinsTGA (NM_001318827.2); c.4234_4257+14delinsTGA (NM_001318831.2); c.4621_4644+14delinsTGA (NM_001318829.2); and 1 more.
Identifiers: ClinVar variation 1204121 (VCV001204121.3), dbSNP rs2151588861, ClinGen allele CA2499223348.
Genomic context (GRCh38, chr16:2,086,848, plus strand): 5'-GACAAGAAGCGCCACCTGGGCAACGACTTTGTGTCCATTGTCTACAATGACTCCGGTGAG[GACTTCAAGCTTGGCACCATCAAGGTGAGTGAGGGGCC>TGA]GTCAGTGAGGCTGGGCCCCAGGCAGGTGCCCACTGCTGTGTCCCGGGTTGGTGGCAGGTC-3'